The following is an entry in ClinVar:

ClinVar aggregate classification (germline): Pathogenic (1 of 4 stars; one submission).

Conditions:
Polyglandular autoimmune syndrome, type 1 (APS1). Also called: Autoimmune polyendocrine syndrome type 1; Autoimmune polyendocrinopathy syndrome, type I; Autoimmune polyendocrinopathy syndrome , type I, with or without reversible metaphyseal dysplasia; PGA I; AUTOIMMUNE POLYENDOCRINE SYNDROME, TYPE I, WITH OR WITHOUT REVERSIBLE METAPHYSEAL DYSPLASIA; HYPOADRENOCORTICISM WITH HYPOPARATHYROIDISM AND SUPERFICIAL MONILIASIS. Identifiers: Orphanet 3453, MedGen C0085859, MONDO:0009411, OMIM 240300.

Submission:

Labcorp Genetics (formerly Invitae), Labcorp
Classification: Pathogenic for Polyglandular autoimmune syndrome, type 1. Last evaluated: 2020-06-04. Review status: criteria provided, single submitter. Criteria: Invitae Variant Classification Sherloc (09022015). Collection method: clinical testing. Allele origin: germline.
Comment: For these reasons, this variant has been classified as Pathogenic. Loss-of-function variants in AIRE are known to be pathogenic (PMID: 11524731, 26141571). This variant has not been reported in the literature in individuals with AIRE-related conditions. This variant is not present in population databases (ExAC no frequency). This sequence change creates a premature translational stop signal (p.Pro400Argfs*82) in the AIRE gene. It is expected to result in an absent or disrupted protein product.

Literature cited by the submitters: PubMed 11524731; PubMed 26141571.

NM_000383.4(AIRE):c.1192_1196dup (p.Pro400fs)

Gene: AIRE (autoimmune regulator; plus strand). Cytogenetic location: 21q22.3.
Variant type: Duplication.
Coding change: c.1192_1196dup on transcript NM_000383.4 (MANE Select); coding-DNA positions 1192 to 1196, 5 bases duplicated (CCGGC; older notation c.1192_1196dupCCGGC).
Protein change: p.Pro400fs; shifts the reading frame from proline 400.
Molecular consequence: frameshift variant.
Genome position (GRCh38, 1-based): chr21:44,293,089-44,293,093, CCGGC duplicated. VCF-style (leftmost placement, unchanged base first): chr21-44293088-G-GCCGGC. GRCh37 (hg19) VCF-style: chr21-45712971-G-GCCGGC.
Other names: short protein forms P400fs.
Identifiers: ClinVar variation 1076711 (VCV001076711.7), dbSNP rs2146383463, ClinGen allele CA2499225977.